The following is an entry in ClinVar:

NM_032383.5(HPS3):c.-70T>C

Gene: HPS3 (HPS3 biogenesis of lysosomal organelles complex 2 subunit 1; plus strand). Cytogenetic location: 3q24.
Variant type: single nucleotide variant.
Coding change: c.-70T>C on transcript NM_032383.5 (MANE Select); 70 bases upstream of the start codon, T replaced by C.
Molecular consequence: 5 prime UTR variant.
Genome position (GRCh38, 1-based): chr3:149,129,654, T>C. VCF-style: chr3-149129654-T-C. GRCh37 (hg19) VCF-style: chr3-148847441-T-C.
Other names: c.-70T>C (NM_001308258.2).
Identifiers: ClinVar variation 343688 (VCV000343688.9), dbSNP rs13089410, ClinGen allele CA10617452.

ClinVar aggregate classification (germline): Benign/Likely benign. Review status: criteria provided, multiple submitters, no conflicts (2 of 4 stars). 3 submissions from 3 submitters: Benign (1); Likely benign (2). Last evaluated 2018-07-09.

Conditions:
Hermansky-Pudlak syndrome 3 (HPS3). Identifiers: Orphanet 231512, Orphanet 79430, MedGen C3888001, MONDO:0013555, OMIM 614072.

Allele frequency attached by ClinVar (database versions not stated): TOPMed 0.02157; 1000 Genomes Project 0.02177; gnomAD 0.02214 and 0.02342; 1000 Genomes Project 30x 0.02249; gnomAD exomes 0.03266.
gnomAD v4.1: 38,637 of 1,225,622 alleles (3.2%); highest among the groups gnomAD compares: South Asian, 7%; 783 homozygotes.

Submissions (3):

GeneDx
Classification: Likely benign. Last evaluated: 2018-07-09. Review status: criteria provided, single submitter. Criteria: GeneDx Variant Classification Process June 2021. Collection method: clinical testing. Allele origin: germline. Affected: yes.

Illumina Laboratory Services, Illumina
Classification: Benign for Hermansky-Pudlak syndrome 3. Last evaluated: 2018-01-12. Review status: criteria provided, single submitter. Criteria: ICSL Variant Classification Criteria 13 December 2019. Collection method: clinical testing. Allele origin: germline.
Comment: This variant was observed in the ICSL laboratory as part of a predisposition screen in an ostensibly healthy population. It had not been previously curated by ICSL or reported in the Human Gene Mutation Database (HGMD: prior to June 1st, 2018), and was therefore a candidate for classification through an automated scoring system. Utilizing variant allele frequency, disease prevalence and penetrance estimates, and inheritance mode, an automated score was calculated to assess if this variant is too frequent to cause the disease. Based on the score and internal cut-off values, a variant classified as benign is not then subjected to further curation. The score for this variant resulted in a classification of benign for this disease.

Breakthrough Genomics
Classification: Likely benign. Review status: criteria provided, single submitter. Criteria: ACMG Guidelines, 2015. Collection method: not provided. Allele origin: germline. Inheritance: Autosomal recessive inheritance. Affected: yes.